The following is an entry in ClinVar:

NM_001018115.3(FANCD2):c.347_351del (p.Leu115_Ser116insTer)

Genes: FANCD2 (FA complementation group D2; plus strand), LOC107303338 (3p25 FANCD2 Alu-mediated recombination region; plus strand). Cytogenetic location: 3p25.3.
Variant type: Deletion.
Coding change: c.347_351del on transcript NM_001018115.3 (MANE Select); coding-DNA positions 347 to 351, 5 bases deleted (CTTGT; older notation c.347_351delCTTGT).
Protein change: p.Leu115_Ser116insTer.
Molecular consequence: nonsense.
Genome position (GRCh38, 1-based): chr3:10,034,768-10,034,772, CTTGT deleted; deleting any 5 consecutive bases within chr3:10,034,764-10,034,772 gives the same sequence; the c. name uses the placement nearest the transcript's 3' end. VCF-style (leftmost placement, unchanged base first): chr3-10034763-TTTGTC-T. GRCh37 (hg19) VCF-style: chr3-10076447-TTTGTC-T.
Other names: c.347_351del, p.Leu115_Ser116insTer (NM_001319984.2, NM_001374253.1, NM_001374254.1 and 2 more transcripts).
Identifiers: ClinVar variation 2804506 (VCV002804506.3), dbSNP rs2470719599, ClinGen allele CA2739278308.

ClinVar aggregate classification (germline): Pathogenic (1 of 4 stars; one submission).

Conditions:
Fanconi anemia (FA). Also called: Fanconi's anemia. Identifiers: Orphanet 84, MedGen C0015625, MeSH D005199, MONDO:0019391.

Submission:

Labcorp Genetics (formerly Invitae), Labcorp
Classification: Pathogenic for Fanconi anemia. Last evaluated: 2023-03-09. Review status: criteria provided, single submitter. Criteria: Invitae Variant Classification Sherloc (09022015). Collection method: clinical testing. Allele origin: germline.
Comment: For these reasons, this variant has been classified as Pathogenic. This variant has not been reported in the literature in individuals affected with FANCD2-related conditions. This variant is not present in population databases (gnomAD no frequency). This sequence change creates a premature translational stop signal (p.Ser116*) in the FANCD2 gene. It is expected to result in an absent or disrupted protein product. Loss-of-function variants in FANCD2 are known to be pathogenic (PMID: 17436244).

Literature cited by the submitters: PubMed 17436244.